The following is an entry in ClinVar:

NM_001018005.2(TPM1):c.564-103G>A

Gene: TPM1 (tropomyosin 1; plus strand). Cytogenetic location: 15q22.2.
Variant type: single nucleotide variant.
Coding change: c.564-103G>A on transcript NM_001018005.2 (MANE Select); 103 bases into the intron before coding-DNA position 564, G replaced by A.
Molecular consequence: intron variant.
Genome position (GRCh38, 1-based): chr15:63,061,610, G>A. VCF-style: chr15-63061610-G-A. GRCh37 (hg19) VCF-style: chr15-63353809-G-A.
Other names: c.690-103G>A (NM_001365778.1); c.639+337G>A (NM_001018020.2, NM_001018006.2, NM_000366.6); c.564-103G>A (NM_001018007.2, NM_001365776.1, NM_001018004.2 and 3 more transcripts); c.531+337G>A (NM_001330351.2, NM_001330344.2, NM_001365781.2); c.456-103G>A (NM_001018008.2, NM_001301289.2, NM_001365782.1 and 2 more transcripts).
Identifiers: ClinVar variation 157494 (VCV000157494.2), dbSNP rs528733046, ClinGen allele CA019109.

ClinVar aggregate classification (germline): Uncertain significance (0 of 4 stars; one submission).

Conditions:
Cardiomyopathy (CMYO). Also called: Cardiomyopathies. Identifiers: Orphanet 167848, MedGen C0878544, MONDO:0004994, HP:0001638. Inheritance: Various modes of inheritance.

Allele frequency attached by ClinVar (database versions not stated): TOPMed 0.00019; 1000 Genomes Project 30x 0.00109; 1000 Genomes Project 0.00120.
gnomAD v4.1: 126 of 1,127,774 alleles (0.011%); highest among the groups gnomAD compares: South Asian, 0.049%; no homozygotes.

Submission:

Evolutionary and Medical Genetics Laboratory,  Centre for Cellular and Molecular Biology
Classification: Uncertain significance. Review status: no assertion criteria provided. Collection method: not provided. Allele origin: unknown.
ClinVar note: Converted during submission from unknown to Uncertain significance.